The following is an entry in ClinVar:

ClinVar aggregate classification (germline): Conflicting classifications of pathogenicity. Review status: criteria provided, conflicting classifications (1 of 4 stars). 2 submissions from 2 submitters: Uncertain significance (1); Likely benign (1). Last evaluated 2026-01-25.

Conditions:
Wilson disease (WND). Also called: Wilson's disease. Identifiers: Orphanet 905, MedGen C0019202, MONDO:0010200, OMIM 277900. Disease mechanism: loss of function.

Allele frequency attached by ClinVar (database versions not stated): gnomAD 0.00003; TOPMed 0.00003; ExAC 0.00004; ESP Exome Variant Server 0.00008.
gnomAD v4.1: 67 of 1,613,968 alleles (0.0042%); highest among the groups gnomAD compares: Middle Eastern, 0.033%; 1 homozygote.

Submissions (2):

Labcorp Genetics (formerly Invitae), Labcorp
Classification: Likely benign for Wilson disease. Last evaluated: 2026-01-25. Review status: criteria provided, single submitter. Criteria: Invitae Variant Classification Sherloc (09022015). Collection method: clinical testing. Allele origin: germline.

Color Diagnostics, LLC DBA Color Health
Classification: Uncertain significance for Wilson disease. Last evaluated: 2023-05-09. Review status: criteria provided, single submitter. Criteria: ACMG Guidelines, 2015. Collection method: clinical testing. Allele origin: germline.
Comment: This variant causes a T to A nucleotide substitution at the -15 position of intron 1 of the ATP7B gene. To our knowledge, functional studies have not been reported for this variant. This variant has not been reported in individuals affected with ATP7B-related disorders in the literature. This variant has been identified in 4/249122 chromosomes in the general population by the Genome Aggregation Database (gnomAD). The available evidence is insufficient to determine the role of this variant in disease conclusively. Therefore, this variant is classified as a Variant of Uncertain Significance.

NM_000053.4(ATP7B):c.52-15T>A

Gene: ATP7B (ATPase copper transporting beta; minus strand). Cytogenetic location: 13q14.3.
Variant type: single nucleotide variant.
Coding change: c.52-15T>A on transcript NM_000053.4 (MANE Select); 15 bases into the intron before coding-DNA position 52, T replaced by A.
Molecular consequence: intron variant.
Genome position (GRCh38, 1-based): chr13:51,975,183, A>T on the plus strand (T>A on the coding strand, the complement: ATP7B is on the minus strand). VCF-style: chr13-51975183-A-T. GRCh37 (hg19) VCF-style: chr13-52549319-A-T.
Other names: c.52-15T>A (NM_001243182.2, NM_001005918.3, NM_001330579.2 and 1 more transcripts).
Identifiers: ClinVar variation 2143718 (VCV002143718.4), dbSNP rs201243102, ClinGen allele CA6989629.